The following is an entry in ClinVar:

ClinVar aggregate classification (germline): Uncertain significance (1 of 4 stars; one submission).

Conditions:
Catecholaminergic polymorphic ventricular tachycardia 1. Also called: VENTRICULAR TACHYCARDIA, CATECHOLAMINERGIC POLYMORPHIC, 1, WITH OR WITHOUT ATRIAL DYSFUNCTION AND/OR DILATED CARDIOMYOPATHY; RYR2-Related Catecholaminergic Polymorphic Ventricular Tachycardia; VENTRICULAR TACHYCARDIA, STRESS-INDUCED POLYMORPHIC 1. Identifiers: Orphanet 3286, MedGen C1631597, MONDO:0011484, OMIM 604772.

Submission:

Labcorp Genetics (formerly Invitae), Labcorp
Classification: Uncertain significance for Catecholaminergic polymorphic ventricular tachycardia 1. Last evaluated: 2022-03-26. Review status: criteria provided, single submitter. Criteria: Invitae Variant Classification Sherloc (09022015). Collection method: clinical testing. Allele origin: germline.
Comment: In summary, the available evidence is currently insufficient to determine the role of this variant in disease. Therefore, it has been classified as a Variant of Uncertain Significance. Advanced modeling of protein sequence and biophysical properties (such as structural, functional, and spatial information, amino acid conservation, physicochemical variation, residue mobility, and thermodynamic stability) performed at Invitae indicates that this missense variant is expected to disrupt RYR2 protein function. This variant has not been reported in the literature in individuals affected with RYR2-related conditions. This variant is not present in population databases (gnomAD no frequency). This sequence change replaces leucine, which is neutral and non-polar, with methionine, which is neutral and non-polar, at codon 3974 of the RYR2 protein (p.Leu3974Met).

NM_001035.3(RYR2):c.11920C>A (p.Leu3974Met)

Gene: RYR2 (ryanodine receptor 2; plus strand). Cytogenetic location: 1q43.
Variant type: single nucleotide variant.
Coding change: c.11920C>A on transcript NM_001035.3 (MANE Select); coding-DNA position 11920, C replaced by A.
Protein change: p.Leu3974Met; replaces leucine 3974 with methionine.
Molecular consequence: missense variant.
Genome position (GRCh38, 1-based): chr1:237,781,604, C>A. VCF-style: chr1-237781604-C-A. GRCh37 (hg19) VCF-style: chr1-237944904-C-A.
Other names: short protein forms L3974M.
Identifiers: ClinVar variation 2117819 (VCV002117819.4), dbSNP rs2527740704, ClinGen allele CA345410116.
Genomic context (GRCh38, chr1:237,781,604, plus strand): 5'-ATGCAATGTTCATATTTTCAGGATTCCAGTCAAATTGAGCTATTAAAAGAATTAATGGAT[C>A]TGCAGAAGGATATGGTGGTCATGTTGCTGTCCATGTTAGAAGGTAGTTTTGATTTATACT-3'
Protein context (NP_001026.2, residues 3964-3984): QIELLKELMD[Leu3974Met]QKDMVVMLLS